The following is an entry in ClinVar:

NM_015378.4(VPS13D):c.11365C>T (p.Leu3789Phe)

Gene: VPS13D (vacuolar protein sorting 13 homolog D; plus strand). Cytogenetic location: 1p36.22.
Variant type: single nucleotide variant.
Coding change: c.11365C>T on transcript NM_015378.4 (MANE Select); coding-DNA position 11365, C replaced by T.
Protein change: p.Leu3789Phe; replaces leucine 3789 with phenylalanine.
Molecular consequence: missense variant.
Genome position (GRCh38, 1-based): chr1:12,383,150, C>T. VCF-style: chr1-12383150-C-T. GRCh37 (hg19) VCF-style: chr1-12443209-C-T.
Other names: p.Leu3789Phe; c.11365C>T (NM_015378.2); c.11290C>T, p.Leu3764Phe (NM_018156.4); short protein forms L3764F, L3789F.
Identifiers: ClinVar variation 1303296 (VCV001303296.6), dbSNP rs200100914, ClinGen allele CA603923.
Genomic context (GRCh38, chr1:12,383,150, plus strand): 5'-ATGAGACCTGGTTCTGGAATGTTATCCATCAGAGTCATCCCAGATGGACCAACTAGAGCA[C>T]TCCAGGTGATAATTTGTCATAAGAGCTGATGTGAAACTCTGTACTTCCTCCACCCCCAAT-3'
Protein context (NP_056193.2, residues 3779-3799): RVIPDGPTRA[Leu3789Phe]QITDFCHRKS

ClinVar aggregate classification (germline): Uncertain significance. Review status: criteria provided, multiple submitters, no conflicts (2 of 4 stars). 3 submissions from 3 submitters: Uncertain significance (3). Last evaluated 2025-10-19.

Conditions:
Inborn genetic diseases. Identifiers: MedGen C0950123, MeSH D030342.

Allele frequency attached by ClinVar (database versions not stated): ExAC 0.00008; gnomAD 0.00011; TOPMed 0.00011.
gnomAD v4.1: 385 of 1,609,432 alleles (0.024%); highest among the groups gnomAD compares: Non-Finnish European, 0.03%; no homozygotes.

Submissions (3):

Mayo Clinic Laboratories, Mayo Clinic
Classification: Uncertain significance. Last evaluated: 2025-10-19. Review status: criteria provided, single submitter. Criteria: ACMG Guidelines, 2015. Collection method: clinical testing. Allele origin: germline. Observed: 1 variant allele.
Comment: PM2_supporting

Ambry Genetics
Classification: Uncertain significance for Inborn genetic diseases. Last evaluated: 2025-01-31. Review status: criteria provided, single submitter. Criteria: Ambry Variant Classification Scheme 2023. Collection method: clinical testing. Allele origin: germline.

GeneDx
Classification: Uncertain significance. Last evaluated: 2020-01-24. Review status: criteria provided, single submitter. Criteria: GeneDx Variant Classification Process June 2021. Collection method: clinical testing. Allele origin: germline. Affected: yes.
Comment: Has not been previously published as pathogenic or benign to our knowledge; In silico analysis, which includes protein predictors and evolutionary conservation, supports that this variant does not alter protein structure/function